The following is an entry in ClinVar:

ClinVar aggregate classification (germline): Pathogenic (1 of 4 stars; one submission).

Submission:

Labcorp Genetics (formerly Invitae), Labcorp
Classification: Pathogenic. Last evaluated: 2024-02-02. Review status: criteria provided, single submitter. Criteria: Invitae Variant Classification Sherloc (09022015). Collection method: clinical testing. Allele origin: germline.
Comment: This sequence change creates a premature translational stop signal (p.Leu278*) in the CLCN5 gene. It is expected to result in an absent or disrupted protein product. Loss-of-function variants in CLCN5 are known to be pathogenic (PMID: 22876375, 25907713). This variant is not present in population databases (gnomAD no frequency). This variant has not been reported in the literature in individuals affected with CLCN5-related conditions. For these reasons, this variant has been classified as Pathogenic.

Literature cited by the submitters: PubMed 22876375; PubMed 25907713.

NM_001127898.4(CLCN5):c.1043T>A (p.Leu348Ter)

Gene: CLCN5 (chloride voltage-gated channel 5; plus strand). Cytogenetic location: Xp11.23.
Variant type: single nucleotide variant.
Coding change: c.1043T>A on transcript NM_001127898.4 (MANE Select); coding-DNA position 1043, T replaced by A.
Protein change: p.Leu348Ter; replaces leucine 348 with a stop codon.
Molecular consequence: nonsense.
Genome position (GRCh38, 1-based): chrX:50,086,356, T>A. VCF-style: chrX-50086356-T-A. GRCh37 (hg19) VCF-style: chrX-49851013-T-A.
Other names: c.833T>A, p.Leu278Ter (NM_000084.5); c.1043T>A, p.Leu348Ter (NM_001127899.4); c.893T>A, p.Leu298Ter (NM_001282163.2); short protein forms L278*, L298*, L348*.
Identifiers: ClinVar variation 2772990 (VCV002772990.3), dbSNP rs2519433160, ClinGen allele CA413185069.
Genomic context (GRCh38, chrX:50,086,356, plus strand): 5'-CTGAGTTTGCTTTCTCACCTTCTTTCTTCTAGGTCAGCTACTATTTTCCCCTCAAAACAT[T>A]GTGGCGTTCATTCTTTGCTGCCTTGGTGGCAGCATTCACTCTACGCTCCATCAATCCATT-3'